The following is an entry in ClinVar:

NM_138694.4(PKHD1):c.9938G>A (p.Arg3313Lys)

Gene: PKHD1 (PKHD1 ciliary IPT domain containing fibrocystin/polyductin; minus strand). Cytogenetic location: 6p12.3.
Variant type: single nucleotide variant.
Coding change: c.9938G>A on transcript NM_138694.4 (MANE Select); coding-DNA position 9938, G replaced by A.
Protein change: p.Arg3313Lys; replaces arginine 3313 with lysine.
Molecular consequence: missense variant.
Genome position (GRCh38, 1-based): chr6:51,746,781, C>T on the plus strand (G>A on the coding strand, the complement: PKHD1 is on the minus strand). VCF-style: chr6-51746781-C-T. GRCh37 (hg19) VCF-style: chr6-51611579-C-T.
Other names: c.9938G>A, p.Arg3313Lys (NM_170724.3); c.9938G>A (NM_138694.3); short protein forms R3313K.
Identifiers: ClinVar variation 593759 (VCV000593759.16), dbSNP rs763499782, ClinGen allele CA3851289.

ClinVar aggregate classification (germline): Conflicting classifications of pathogenicity. Review status: criteria provided, conflicting classifications (1 of 4 stars). 5 submissions from 5 submitters: Uncertain significance (3); Likely benign (1). 1 of the submissions does not count toward it. Last evaluated 2026-01-07.

Conditions:
Polycystic kidney disease 4 (PKD4). Also called: Autosomal Recessive Polycystic Kidney Disease – PKHD1; POLYCYSTIC KIDNEY DISEASE 4 WITH OR WITHOUT POLYCYSTIC LIVER DISEASE; POLYCYSTIC KIDNEY AND HEPATIC DISEASE 1; POLYCYSTIC KIDNEY DISEASE, INFANTILE, TYPE I; PKD3. Identifiers: MedGen C4540575, MONDO:0033004, OMIM 263200.
PKHD1-related disorder. Also called: PKHD1-related condition.
Inborn genetic diseases. Identifiers: MedGen C0950123, MeSH D030342.
Autosomal recessive polycystic kidney disease (ARPKD). Also called: AR polycystic kidney disease. Identifiers: Orphanet 731, Orphanet 8378, MedGen C0085548, MeSH D017044, MONDO:0009889.

Allele frequency attached by ClinVar (database versions not stated): gnomAD 0.00002 and 0.00003; gnomAD exomes 0.00002 and 0.00010; TOPMed 0.00005; ExAC 0.00007.
gnomAD v4.1: 29 of 1,611,554 alleles (0.0018%); highest among the groups gnomAD compares: Admixed American, 0.045%; no homozygotes.

Submissions (5):

Labcorp Genetics (formerly Invitae), Labcorp
Classification: Likely benign for Autosomal recessive polycystic kidney disease. Last evaluated: 2026-01-07. Review status: criteria provided, single submitter. Criteria: Invitae Variant Classification Sherloc (09022015). Collection method: clinical testing. Allele origin: germline.

Fulgent Genetics
Classification: Uncertain significance for Polycystic kidney disease 4. Last evaluated: 2024-05-24. Review status: criteria provided, single submitter. Criteria: ACMG Guidelines, 2015. Collection method: clinical testing. Allele origin: germline.

Ambry Genetics
Classification: Uncertain significance for Inborn genetic diseases. Last evaluated: 2023-12-20. Review status: criteria provided, single submitter. Criteria: Ambry Variant Classification Scheme 2023. Collection method: clinical testing. Allele origin: germline.

Eurofins Ntd Llc (ga)
Classification: Uncertain significance. Last evaluated: 2017-08-22. Review status: criteria provided, single submitter. Criteria: EGL Classification Definitions 2015. Collection method: clinical testing. Allele origin: germline. Observed: 1 variant allele, 1 heterozygote.

PreventionGenetics, part of Exact Sciences
Classification: Uncertain significance for PKHD1-related condition. Last evaluated: 2024-04-30. Review status: no assertion criteria provided. Collection method: clinical testing. Allele origin: germline. Not counted in ClinVar's aggregate classification.
Comment: The PKHD1 c.9938G>A variant is predicted to result in the amino acid substitution p.Arg3313Lys. To our knowledge, this variant has not been reported in the literature. This variant is reported in 0.070% of alleles in individuals of Latino descent in gnomA. At this time, the clinical significance of this variant is uncertain due to the absence of conclusive functional and genetic evidence.